The following is an entry in ClinVar:

NM_052947.4(ALPK2):c.868G>A (p.Val290Met)

Genes: ALPK2 (alpha kinase 2; minus strand), LOC114803473 (ALPK2 eExon liver enhancer; plus strand). Cytogenetic location: 18q21.31.
Variant type: single nucleotide variant.
Coding change: c.868G>A on transcript NM_052947.4 (MANE Select); coding-DNA position 868, G replaced by A.
Protein change: p.Val290Met; replaces valine 290 with methionine.
Molecular consequence: missense variant.
Genome position (GRCh38, 1-based): chr18:58,579,908, C>T on the plus strand (G>A on the coding strand, the complement: ALPK2 is on the minus strand). VCF-style: chr18-58579908-C-T. GRCh37 (hg19) VCF-style: chr18-56247140-C-T.
Other names: short protein forms V290M.
Identifiers: ClinVar variation 2450793 (VCV002450793.3), dbSNP rs200278400, ClinGen allele CA8977367.
Genomic context (GRCh38, chr18:58,579,908, plus strand): 5'-GTTCATAGTCACTGTCAGAGTCTTCACTGGAAAGCTGTGGGCTGGGTTGTTTGTTGGCCA[C>T]GGCACTGTCACCTGGGTAAATGTGTGCAGTTGCCTCAGATAGCGGGAGGCTGAAGCTAAT-3'
Protein context (NP_443179.3, residues 280-300): TAHIYPGDSA[Val290Met]ANKQPSPQLS

ClinVar aggregate classification (germline): Uncertain significance (1 of 4 stars; one submission).

Allele frequency attached by ClinVar (database versions not stated): ExAC 0.00002; gnomAD 0.00005; gnomAD exomes 0.00007; TOPMed 0.00009; ESP Exome Variant Server 0.00015.
gnomAD v4.1: 108 of 1,614,062 alleles (0.0067%); highest among the groups gnomAD compares: Non-Finnish European, 0.0081%; no homozygotes.

Submission:

Ambry Genetics
Classification: Uncertain significance. Last evaluated: 2024-11-21. Review status: criteria provided, single submitter. Criteria: Ambry Variant Classification Scheme 2023. Collection method: clinical testing. Allele origin: germline.
Comment: The p.V290M variant (also known as c.868G>A), located in coding exon 3 of the ALPK2 gene, results from a G to A substitution at nucleotide position 868. The valine at codon 290 is replaced by methionine, an amino acid with highly similar properties. This amino acid position is conserved. In addition, this alteration is predicted to be tolerated by in silico analysis. Since supporting evidence is limited at this time, the clinical significance of this alteration remains unclear.